The following is an entry in ClinVar:

ClinVar aggregate classification (germline): Uncertain significance (1 of 4 stars; one submission).

Conditions:
Epilepsy. Also called: Seizure disorder. Identifiers: MedGen C0014544, MeSH D004827, MONDO:0005027.

Submission:

Labcorp Genetics (formerly Invitae), Labcorp
Classification: Uncertain significance for Epilepsy. Last evaluated: 2021-05-11. Review status: criteria provided, single submitter. Criteria: Invitae Variant Classification Sherloc (09022015). Collection method: clinical testing. Allele origin: germline.
Comment: Algorithms developed to predict the effect of missense changes on protein structure and function are either unavailable or do not agree on the potential impact of this missense change (SIFT: "Tolerated"; PolyPhen-2: "Probably Damaging"; Align-GVGD: "Class C0"). This sequence change replaces tyrosine with cysteine at codon 507 of the PIGQ protein (p.Tyr507Cys). The tyrosine residue is highly conserved and there is a large physicochemical difference between tyrosine and cysteine. This variant is not present in population databases (ExAC no frequency). This variant has not been reported in the literature in individuals with PIGQ-related conditions. In summary, the available evidence is currently insufficient to determine the role of this variant in disease. Therefore, it has been classified as a Variant of Uncertain Significance.

NM_004204.5(PIGQ):c.1520A>G (p.Tyr507Cys)

Gene: PIGQ (phosphatidylinositol glycan anchor biosynthesis class Q; plus strand). Cytogenetic location: 16p13.3.
Variant type: single nucleotide variant.
Coding change: c.1520A>G on transcript NM_004204.5 (MANE Select); coding-DNA position 1520, A replaced by G.
Protein change: p.Tyr507Cys; replaces tyrosine 507 with cysteine.
Molecular consequence: missense variant.
Genome position (GRCh38, 1-based): chr16:580,961, A>G. VCF-style: chr16-580961-A-G. GRCh37 (hg19) VCF-style: chr16-630961-A-G.
Other names: c.1520A>G, p.Tyr507Cys (NM_148920.4); short protein forms Y507C.
Identifiers: ClinVar variation 1353009 (VCV001353009.7), dbSNP rs1037601270, ClinGen allele CA394059417.
Genomic context (GRCh38, chr16:580,961, plus strand): 5'-TCGTGGACCTCATCAACTCCCTGCCGCTGTACTCACTGGGTCTTCGGCTCTGCCGGCCCT[A>G]CAGGCTGGCGGGTAAGTGCTGCGTATTGGGCAGCTGGCCCTGGGTAGGTGGAGGGGAACC-3'
Protein context (NP_004195.2, residues 497-517): YSLGLRLCRP[Tyr507Cys]RLAAGVKFRV